The following is an entry in ClinVar:

ClinVar aggregate classification (germline): Conflicting classifications of pathogenicity. Review status: criteria provided, conflicting classifications (1 of 4 stars). 2 submissions from 2 submitters: Uncertain significance (1); Likely benign (1). Last evaluated 2024-04-15.

Conditions:
Hereditary cancer-predisposing syndrome. Also called: Neoplastic Syndromes, Hereditary; Tumor predisposition; Hereditary neoplastic syndrome; Hereditary Cancer Syndrome. Identifiers: Orphanet 140162, MedGen C0027672, MeSH D009386, MONDO:0015356.
Hereditary breast ovarian cancer syndrome. Also called: Hereditary breast and ovarian cancer syndrome; Hereditary breast and ovarian cancer; Hereditary breast and ovarian cancer syndrome (HBOC); Breast and ovarian cancer; Hereditary breast and/or ovarian cancer syndrome; BRCA1- and BRCA2-Associated Hereditary Breast and Ovarian Cancer. Identifiers: Orphanet 145, MedGen C0677776, MeSH D061325, MONDO:0003582. Disease mechanism: loss of function.

Submissions (2):

Labcorp Genetics (formerly Invitae), Labcorp
Classification: Uncertain significance for Hereditary breast ovarian cancer syndrome. Last evaluated: 2024-04-15. Review status: criteria provided, single submitter. Criteria: Invitae Variant Classification Sherloc (09022015). Collection method: clinical testing. Allele origin: germline.
Comment: This sequence change replaces leucine, which is neutral and non-polar, with valine, which is neutral and non-polar, at codon 3380 of the BRCA2 protein (p.Leu3380Val). This variant is not present in population databases (gnomAD no frequency). This variant has not been reported in the literature in individuals affected with BRCA2-related conditions. ClinVar contains an entry for this variant (Variation ID: 630080). Advanced modeling of protein sequence and biophysical properties (such as structural, functional, and spatial information, amino acid conservation, physicochemical variation, residue mobility, and thermodynamic stability) performed at Invitae indicates that this missense variant is not expected to disrupt BRCA2 protein function with a negative predictive value of 95%. In summary, the available evidence is currently insufficient to determine the role of this variant in disease. Therefore, it has been classified as a Variant of Uncertain Significance.

Color Diagnostics, LLC DBA Color Health
Classification: Likely benign for Hereditary cancer-predisposing syndrome. Last evaluated: 2017-01-17. Review status: criteria provided, single submitter. Criteria: ACMG Guidelines, 2015. Collection method: clinical testing. Allele origin: germline.

NM_000059.4(BRCA2):c.10138C>G (p.Leu3380Val)

Gene: BRCA2 (BRCA2 DNA repair associated; plus strand). Cytogenetic location: 13q13.1.
Variant type: single nucleotide variant.
Coding change: c.10138C>G on transcript NM_000059.4 (MANE Select); coding-DNA position 10138, C replaced by G.
Protein change: p.Leu3380Val; replaces leucine 3380 with valine.
Molecular consequence: missense variant.
Genome position (GRCh38, 1-based): chr13:32,398,651, C>G. VCF-style: chr13-32398651-C-G. GRCh37 (hg19) VCF-style: chr13-32972788-C-G.
Other names: short protein forms L3380V.
Identifiers: ClinVar variation 630080 (VCV000630080.7), dbSNP rs1566261456, ClinGen allele CA387768125.